The following is an entry in ClinVar:

ClinVar aggregate classification (germline): Benign/Likely benign. Review status: criteria provided, multiple submitters, no conflicts (2 of 4 stars). 5 submissions from 5 submitters: Benign (2); Likely benign (2). 1 of the submissions does not count toward it. Last evaluated 2026-08-01.

Conditions:
Choanal atresia-athelia-hypothyroidism-delayed puberty-short stature syndrome (BCAHH). Also called: BRANCHIAL ARCH ABNORMALITIES, CHOANAL ATRESIA, ATHELIA, HEARING LOSS, AND HYPOTHYROIDISM SYNDROME. Identifiers: Orphanet 589856, MedGen C5680310, MONDO:0035651, OMIM 620186.
Kabuki syndrome 1 (KABUK1). Also called: KMT2D-Related Kabuki Syndrome. Identifiers: Orphanet 2322, MedGen CN030661, MONDO:0007843, OMIM 147920.
KMT2D-related disorder. Also called: KMT2D-Related Disorders.
Kabuki syndrome. Also called: Kabuki make-up syndrome; NIIKAWA-KUROKI SYNDROME. Identifiers: Orphanet 2322, MedGen C0796004, MONDO:0016512.

Allele frequency attached by ClinVar (database versions not stated): gnomAD 0.00002; gnomAD exomes 0.00004 and 0.00015; TOPMed 0.00006; ExAC 0.00016.
gnomAD v4.1: 57 of 1,613,346 alleles (0.0035%); highest among the groups gnomAD compares: Admixed American, 0.063%; no homozygotes.

Submissions (5):

CeGaT Center for Human Genetics Tuebingen
Classification: Likely benign. Last evaluated: 2026-08-01. Review status: criteria provided, single submitter. Criteria: CeGaT Center For Human Genetics Tuebingen Variant Classification Criteria Version 2. Collection method: clinical testing. Allele origin: germline. Affected: yes. Observed: 2 variant alleles.
Comment: KMT2D: BP4, BP7

Labcorp Genetics (formerly Invitae), Labcorp
Classification: Benign for Kabuki syndrome. Last evaluated: 2025-10-15. Review status: criteria provided, single submitter. Criteria: Invitae Variant Classification Sherloc (09022015). Collection method: clinical testing. Allele origin: germline.

GeneDx
Classification: Benign. Last evaluated: 2021-02-11. Review status: criteria provided, single submitter. Criteria: GeneDx Variant Classification Process June 2021. Collection method: clinical testing. Allele origin: germline. Affected: yes.

Center for Genomics, Ann and Robert H. Lurie Children's Hospital of Chicago
Classification: Likely benign for Choanal atresia-athelia-hypothyroidism-delayed puberty-short stature syndrome; Kabuki syndrome 1. Review status: criteria provided, single submitter. Criteria: ACMG Guidelines, 2015. Collection method: clinical testing. Allele origin: germline.
Comment: This variant has not been reported in the literature but is present in the Genome Aggregation Database (Highest reported MAF 0.004% (2/41430). This variant is present in ClinVar, with multiple labs classifying this variant as Benign (Variation ID:463021). Of note, this variant is a silent variant and does not change the amino acid, reducing the probability that this variant is disease causing. However, computational prediction tools suggest that this variant may affect splicing. However, further studies are needed to understand its impact. In summary, data on this variant suggests that this variant does not cause disease but requires further evidence. Therefore, this variant is classified as likely benign.

PreventionGenetics, part of Exact Sciences
Classification: Likely benign for KMT2D-related condition. Last evaluated: 2024-09-27. Review status: no assertion criteria provided. Collection method: clinical testing. Allele origin: germline. Not counted in ClinVar's aggregate classification.
Comment: This variant is classified as likely benign based on ACMG/AMP sequence variant interpretation guidelines (Richards et al. 2015 PMID: 25741868, with internal and published modifications).

NM_003482.4(KMT2D):c.7572G>A (p.Thr2524=)

Gene: KMT2D (lysine methyltransferase 2D; minus strand). Cytogenetic location: 12q13.12.
Variant type: single nucleotide variant.
Coding change: c.7572G>A on transcript NM_003482.4 (MANE Select); coding-DNA position 7572, G replaced by A.
Protein change: p.Thr2524=; no amino-acid change (threonine 2524 retained).
Molecular consequence: synonymous variant.
Genome position (GRCh38, 1-based): chr12:49,040,198, C>T on the plus strand (G>A on the coding strand, the complement: KMT2D is on the minus strand). VCF-style: chr12-49040198-C-T. GRCh37 (hg19) VCF-style: chr12-49433981-C-T.
Identifiers: ClinVar variation 463021 (VCV000463021.35), dbSNP rs772878105, ClinGen allele CA6547035.
Genomic context (GRCh38, chr12:49,040,198, plus strand): 5'-CTCCCCTACTGCCTGAGGGAAAGTGAAACGCATGGGAGAGGGGGTGCCCACAAATGCACC[C>T]GTCCCAGGGGACCGGACAAAATTGGGGGGCTGCCCACTTGGGACCTTGGCATGGAGCTCA-3'
Protein context (NP_003473.3, residues 2514-2534): QPPNFVRSPG[Thr2524=]GAFVGTPSPM